The following is an entry in ClinVar:

ClinVar aggregate classification (germline): Benign. Review status: criteria provided, multiple submitters, no conflicts (2 of 4 stars). 6 submissions from 5 submitters: Benign (5). 1 of the submissions does not count toward it. Last evaluated 2026-02-02.

Conditions:
Mitochondrial complex I deficiency, nuclear type 1. Also called: NADH-COENZYME Q REDUCTASE DEFICIENCY; MITOCHONDRIAL NADH DEHYDROGENASE COMPONENT OF COMPLEX I, DEFICIENCY OF. Identifiers: MedGen C6022305, MONDO:0100224, OMIM 252010.
Leigh syndrome (NULS). Also called: Leigh Disease; Leigh Syndrome (mtDNA deletion); Subacute necrotizing encephalopathy; Necrotizing encephalopathy infantile subacute of Leigh; Leigh's necrotizing encephalopathy; Leigh's disease. Identifiers: Orphanet 506, MedGen C2931891, MONDO:0009723, OMIM 256000.

Allele frequency attached by ClinVar (database versions not stated): gnomAD exomes 0.01157; ExAC 0.01401; gnomAD 0.04651 and 0.05020; ESP Exome Variant Server 0.04912; TOPMed 0.05169; 1000 Genomes Project 0.05252; 1000 Genomes Project 30x 0.05793.
gnomAD v4.1: 13,922 of 1,614,096 alleles (0.86%); highest among the groups gnomAD compares: African/African-American, 16%; 1,046 homozygotes.

Submissions (6):

Labcorp Genetics (formerly Invitae), Labcorp
Classification: Benign. Last evaluated: 2026-02-02. Review status: criteria provided, single submitter. Criteria: Invitae Variant Classification Sherloc (09022015). Collection method: clinical testing. Allele origin: germline.

Illumina Laboratory Services, Illumina
Classification: Benign for Leigh syndrome. Last evaluated: 2018-01-13. Review status: criteria provided, single submitter. Criteria: ICSL Variant Classification Criteria 13 December 2019. Collection method: clinical testing. Allele origin: germline.
Comment: This variant was observed in the ICSL laboratory as part of a predisposition screen in an ostensibly healthy population. It had not been previously curated by ICSL or reported in the Human Gene Mutation Database (HGMD: prior to June 1st, 2018), and was therefore a candidate for classification through an automated scoring system. Utilizing variant allele frequency, disease prevalence and penetrance estimates, and inheritance mode, an automated score was calculated to assess if this variant is too frequent to cause the disease. Based on the score and internal cut-off values, a variant classified as benign is not then subjected to further curation. The score for this variant resulted in a classification of benign for this disease.

Illumina Laboratory Services, Illumina
Classification: Benign for Mitochondrial complex I deficiency, nuclear type 1. Last evaluated: 2018-01-13. Review status: criteria provided, single submitter. Criteria: ICSL Variant Classification Criteria 13 December 2019. Collection method: clinical testing. Allele origin: germline.
Comment: the same text as in the submission from Illumina Laboratory Services, Illumina above.

GeneDx
Classification: Benign. Last evaluated: 2012-09-05. Review status: criteria provided, single submitter. Criteria: GeneDx Variant Classification (06012015). Collection method: clinical testing. Allele origin: germline. Affected: yes.
Comment: This variant is considered likely benign or benign based on one or more of the following criteria: it is a conservative change, it occurs at a poorly conserved position in the protein, it is predicted to be benign by multiple in silico algorithms, and/or has population frequency not consistent with disease.

Breakthrough Genomics
Classification: Benign. Review status: criteria provided, single submitter. Criteria: ACMG Guidelines, 2015. Collection method: not provided. Allele origin: germline. Inheritance: Autosomal recessive inheritance. Affected: yes.

Mayo Clinic Laboratories, Mayo Clinic
Classification: Benign. Last evaluated: 2016-02-29. Review status: no assertion criteria provided. Collection method: clinical testing. Allele origin: unknown. Not counted in ClinVar's aggregate classification.

NM_007103.4(NDUFV1):c.549C>G (p.Gly183=)

Gene: NDUFV1 (NADH:ubiquinone oxidoreductase core subunit V1; plus strand). Cytogenetic location: 11q13.2.
Variant type: single nucleotide variant.
Coding change: c.549C>G on transcript NM_007103.4 (MANE Select); coding-DNA position 549, C replaced by G.
Protein change: p.Gly183=; no amino-acid change (glycine 183 retained).
Molecular consequence: synonymous variant.
Genome position (GRCh38, 1-based): chr11:67,610,419, C>G. VCF-style: chr11-67610419-C-G. GRCh37 (hg19) VCF-style: chr11-67377890-C-G.
Other names: p.G183G:GGC>GGG; c.522C>G, p.Gly174= (NM_001166102.2).
Identifiers: ClinVar variation 138501 (VCV000138501.18), dbSNP rs10896187, ClinGen allele CA292517.